The following is an entry in ClinVar:

NM_024312.5(GNPTAB):c.771+276A>G

Gene: GNPTAB (N-acetylglucosamine-1-phosphate transferase subunits alpha and beta; minus strand). Cytogenetic location: 12q23.2.
Variant type: single nucleotide variant.
Coding change: c.771+276A>G on transcript NM_024312.5 (MANE Select); 276 bases into the intron after coding-DNA position 771, A replaced by G.
Molecular consequence: intron variant.
Genome position (GRCh38, 1-based): chr12:101,779,876, T>C on the plus strand (A>G on the coding strand, the complement: GNPTAB is on the minus strand). VCF-style: chr12-101779876-T-C. GRCh37 (hg19) VCF-style: chr12-102173654-T-C.
Identifiers: ClinVar variation 671994 (VCV000671994.2), dbSNP rs4764816, ClinGen allele CA13599403.

ClinVar aggregate classification (germline): Benign. Review status: criteria provided, multiple submitters, no conflicts (2 of 4 stars). 2 submissions from 2 submitters: Benign (2). Last evaluated 2018-06-19.

Allele frequency attached by ClinVar (database versions not stated): gnomAD exomes 0.58212; gnomAD 0.63987 and 0.64096; TOPMed 0.64750; 1000 Genomes Project 30x 0.72142; 1000 Genomes Project 0.72744.
gnomAD v4.1: 274,846 of 456,384 alleles (60%); highest among the groups gnomAD compares: East Asian, 93%; 86,310 homozygotes.

Submissions (2):

GeneDx
Classification: Benign. Last evaluated: 2018-06-19. Review status: criteria provided, single submitter. Criteria: GeneDx Variant Classification (06012015). Collection method: clinical testing. Allele origin: germline. Affected: yes.
Comment: This variant is considered likely benign or benign based on one or more of the following criteria: it is a conservative change, it occurs at a poorly conserved position in the protein, it is predicted to be benign by multiple in silico algorithms, and/or has population frequency not consistent with disease.

Breakthrough Genomics
Classification: Benign. Review status: criteria provided, single submitter. Criteria: ACMG Guidelines, 2015. Collection method: not provided. Allele origin: germline. Inheritance: Autosomal recessive inheritance. Affected: yes.